The following is an entry in ClinVar:

NM_000377.3(WAS):c.273+16C>A

Gene: WAS (WASP actin nucleation promoting factor; plus strand). Cytogenetic location: Xp11.23.
Variant type: single nucleotide variant.
Coding change: c.273+16C>A on transcript NM_000377.3 (MANE Select); 16 bases into the intron after coding-DNA position 273, C replaced by A.
Molecular consequence: intron variant.
Genome position (GRCh38, 1-based): chrX:48,684,439, C>A. VCF-style: chrX-48684439-C-A. GRCh37 (hg19) VCF-style: chrX-48542828-C-A.
Identifiers: ClinVar variation 2682474 (VCV002682474.2), dbSNP rs781893580, ClinGen allele CA2697553079.

ClinVar aggregate classification (germline): Likely benign. Review status: criteria provided, multiple submitters, no conflicts (2 of 4 stars). 2 submissions from 2 submitters: Likely benign (2). Last evaluated 2025-06-17.

Conditions:
Wiskott-Aldrich syndrome (WAS). Also called: ALDRICH SYNDROME; IMMUNODEFICIENCY 2; WISKOTT-ALDRICH SYNDROME 1; Wiskott-aldrich syndrome, somatic. Identifiers: Orphanet 906, MedGen C0043194, MONDO:0010518, OMIM 301000.
X-linked severe congenital neutropenia (SCNX). Identifiers: Orphanet 86788, MedGen C1845987, MONDO:0010294, OMIM 300299.
Thrombocytopenia 1. Also called: X-linked thrombocytopenia with normal platelets; X-Linked Thrombocytopenia (XLT); THROMBOCYTOPENIA, X-LINKED, 1. Identifiers: Orphanet 268322, Orphanet 852, MedGen C1839163, MONDO:0010743, OMIM 313900.

Submissions (2):

Labcorp Genetics (formerly Invitae), Labcorp
Classification: Likely benign for Wiskott-Aldrich syndrome; X-linked severe congenital neutropenia; Thrombocytopenia 1. Last evaluated: 2025-06-17. Review status: criteria provided, single submitter. Criteria: Invitae Variant Classification Sherloc (09022015). Collection method: clinical testing. Allele origin: germline.

Women's Health and Genetics/Laboratory Corporation of America, LabCorp
Classification: Likely benign. Last evaluated: 2023-11-13. Review status: criteria provided, single submitter. Criteria: LabCorp Variant Classification Summary - May 2015. Collection method: clinical testing. Allele origin: germline.
Comment: Variant summary: WAS c.273+16C>A alters a nucleotide located at a position not widely known to affect splicing. Consensus agreement among computation tools predict no significant impact on normal splicing. However, these predictions have yet to be confirmed by functional studies. The variant was absent in 161941 control chromosomes (gnomAD). The available data on variant occurrences in the general population are insufficient to allow any conclusion about variant significance. To our knowledge, no occurrence of c.273+16C>A in individuals affected with Wiskott-Aldrich Syndrome and no experimental evidence demonstrating its impact on protein function have been reported. No submitters have cited clinical-significance assessments for this variant to ClinVar after 2014. Based on the evidence outlined above, the variant was classified as likely benign.